The following is an entry in ClinVar:

ClinVar aggregate classification (germline): Pathogenic/Likely pathogenic. Review status: criteria provided, multiple submitters, no conflicts (2 of 4 stars). 3 submissions from 3 submitters: Pathogenic (2); Likely pathogenic (1). Last evaluated 2024-07-24.

Conditions:
Hereditary cancer-predisposing syndrome. Also called: Neoplastic Syndromes, Hereditary; Tumor predisposition; Hereditary Cancer Syndrome; Hereditary neoplastic syndrome. Identifiers: Orphanet 140162, MedGen C0027672, MeSH D009386, MONDO:0015356.
Hereditary breast ovarian cancer syndrome. Also called: Hereditary breast and ovarian cancer; Hereditary breast and ovarian cancer syndrome (HBOC); Hereditary breast and ovarian cancer syndrome; Breast and ovarian cancer; Hereditary breast and/or ovarian cancer syndrome; BRCA1- and BRCA2-Associated Hereditary Breast and Ovarian Cancer. Identifiers: Orphanet 145, MedGen C0677776, MeSH D061325, MONDO:0003582. Disease mechanism: loss of function.
Familial cancer of breast. Also called: BREAST CANCER, FAMILIAL; Hereditary breast cancer; hereditary breast carcinoma. Identifiers: Orphanet 227535, MedGen C0346153, MONDO:0016419, OMIM 114480. Disease mechanism: loss of function.

Submissions (3):

Labcorp Genetics (formerly Invitae), Labcorp
Classification: Pathogenic for Hereditary breast ovarian cancer syndrome. Last evaluated: 2024-07-24. Review status: criteria provided, single submitter. Criteria: Invitae Variant Classification Sherloc (09022015). Collection method: clinical testing. Allele origin: germline.
Comment: This sequence change creates a premature translational stop signal (p.Leu700Tyrfs*30) in the BRCA2 gene. It is expected to result in an absent or disrupted protein product. Loss-of-function variants in BRCA2 are known to be pathogenic (PMID: 20104584). This variant is not present in population databases (gnomAD no frequency). This variant has not been reported in the literature in individuals affected with BRCA2-related conditions. ClinVar contains an entry for this variant (Variation ID: 1785841). For these reasons, this variant has been classified as Pathogenic.

Baylor Genetics
Classification: Likely pathogenic for Familial cancer of breast. Last evaluated: 2024-01-31. Review status: criteria provided, single submitter. Criteria: ACMG Guidelines, 2015. Collection method: clinical testing. Allele origin: unknown.

Ambry Genetics
Classification: Pathogenic for Hereditary cancer-predisposing syndrome. Last evaluated: 2021-02-22. Review status: criteria provided, single submitter. Criteria: Ambry Variant Classification Scheme 2023. Collection method: clinical testing. Allele origin: germline.
Comment: The c.2099delT pathogenic mutation, located in coding exon 10 of the BRCA2 gene, results from a deletion of one nucleotide at nucleotide position 2099, causing a translational frameshift with a predicted alternate stop codon (p.L700Yfs*30). This alteration is expected to result in loss of function by premature protein truncation or nonsense-mediated mRNA decay. As such, this alteration is interpreted as a disease-causing mutation.

Literature cited by the submitters: PubMed 20104584 (cited by Labcorp Genetics (formerly Invitae), Labcorp).

NM_000059.4(BRCA2):c.2099del (p.Leu700fs)

Gene: BRCA2 (BRCA2 DNA repair associated; plus strand). Cytogenetic location: 13q13.1.
Variant type: Deletion.
Coding change: c.2099del on transcript NM_000059.4 (MANE Select); coding-DNA position 2099, one base deleted (T; older notation c.2099delT).
Protein change: p.Leu700fs; shifts the reading frame from leucine 700.
Molecular consequence: frameshift variant.
Genome position (GRCh38, 1-based): chr13:32,336,454, T deleted; the last of 2 consecutive T bases (chr13:32,336,453-32,336,454); deleting either gives the same sequence. VCF-style (leftmost placement, unchanged base first): chr13-32336452-GT-G. GRCh37 (hg19) VCF-style: chr13-32910589-GT-G.
Other names: c.2099delT, p.Leu700Tyrfs (NM_001406719.1, NM_001406720.1); short protein forms L700fs.
Identifiers: ClinVar variation 1785841 (VCV001785841.5), dbSNP rs2548523176, ClinGen allele CA2580087202.
Genomic context (GRCh38, chr13:32,336,452, plus strand): 5'-TACAGTAATCTCTCAGGATCTTGATTATAAAGAAGCAAAATGTAATAAGGAAAAACTACA[GT>G]TATTTATTACCCCAGAAGCTGATTCTCTGTCATGCCTGCAGGAAGGACAGTGTGAAAATG-3'